The following is an entry in ClinVar:

ClinVar aggregate classification (germline): Uncertain significance. Review status: reviewed by expert panel (3 of 4 stars). 3 submissions from 3 submitters: Uncertain significance (1). 2 of the submissions do not count toward it. Last evaluated 2022-08-31.

Conditions:
PALB2-related cancer predisposition. Identifiers: MedGen CN377761, MONDO:0700272.
Hereditary cancer-predisposing syndrome. Also called: Hereditary neoplastic syndrome; Tumor predisposition; Hereditary Cancer Syndrome; Neoplastic Syndromes, Hereditary. Identifiers: Orphanet 140162, MedGen C0027672, MeSH D009386, MONDO:0015356.

Submissions (3):

ClinGen Hereditary Breast, Ovarian and Pancreatic Cancer Variant Curation Expert Panel, ClinGen
Classification: Uncertain significance for PALB2-related cancer predisposition. Last evaluated: 2022-08-31. Review status: reviewed by expert panel. Criteria: ClinGen HBOP VCEP ACMG Specifications PALB2 V1.0.0. Collection method: curation. Allele origin: germline. Inheritance: Autosomal dominant inheritance.
Comment: The c.338C>T (p.Pro113Leu) variant in PALB2 is a missense variant predicted to cause substitution of proline by leucine at amino acid 113 (p.Pro113Leu). This variant is absent from gnomAD v2.1.1. PALB2, in which the variant was identified, is defined by the HBOP VCEP as a gene for which primarily truncating variants are known to cause disease. In summary, this variant meets the criteria to be classified as a variant of uncertain significance for autosomal dominant hereditary breast and pancreatic cancer and autosomal recessive FANCN based on the ACMG/AMP criteria applied as specified by the HBOP VCEP. (PM2_Supporting, BP1)

Ambry Genetics
Classification: Likely benign for Hereditary cancer-predisposing syndrome. Last evaluated: 2024-03-22. Review status: criteria provided, single submitter. Criteria: Ambry Variant Classification Scheme 2023. Collection method: clinical testing. Allele origin: germline. Not counted in ClinVar's aggregate classification.

Color Diagnostics, LLC DBA Color Health
Classification: Uncertain significance for Hereditary cancer-predisposing syndrome. Last evaluated: 2018-09-21. Review status: criteria provided, single submitter. Criteria: ACMG Guidelines, 2015. Collection method: clinical testing. Allele origin: germline. Not counted in ClinVar's aggregate classification.

NM_024675.4(PALB2):c.338C>T (p.Pro113Leu)

Gene: PALB2 (partner and localizer of BRCA2; minus strand). Cytogenetic location: 16p12.2.
Variant type: single nucleotide variant.
Coding change: c.338C>T on transcript NM_024675.4 (MANE Select); coding-DNA position 338, C replaced by T.
Protein change: p.Pro113Leu; replaces proline 113 with leucine.
Molecular consequence: missense variant.
Genome position (GRCh38, 1-based): chr16:23,636,208, G>A on the plus strand (C>T on the coding strand, the complement: PALB2 is on the minus strand). VCF-style: chr16-23636208-G-A. GRCh37 (hg19) VCF-style: chr16-23647529-G-A.
Other names: NM_024675.3(PALB2):c.338C>T; p.Pro113Leu; short protein forms P113L.
Identifiers: ClinVar variation 492220 (VCV000492220.6), dbSNP rs374425261, ClinGen allele CA395137757.